The following is an entry in ClinVar:

ClinVar aggregate classification (germline): Uncertain significance (1 of 4 stars; one submission).

Conditions:
Fanconi anemia complementation group A (FANCA). Also called: FANCA-Related Fanconi Anemia; Fanconi anemia, group A. Identifiers: Orphanet 84, MedGen C3469521, MONDO:0009215, OMIM 227650.

gnomAD v4.1: 1 of 1,614,200 alleles (0.000062%); highest among the groups gnomAD compares: Non-Finnish European, 0.000085%; no homozygotes.

Submission:

St. Jude Molecular Pathology, St. Jude Children's Research Hospital
Classification: Uncertain significance for Fanconi anemia complementation group A. Last evaluated: 2026-10-01. Review status: criteria provided, single submitter. Criteria: St. Jude Assertion Criteria 2020. Collection method: clinical testing. Allele origin: germline.
Comment: The FANCA c.940G>C p.(Asp314His) missense change is absent in gnomAD v2.1.1. The in silico tool REVEL is inconclusive about a pathogenic or benign effect of this variant on protein function, and to our knowledge functional studies have not been performed. To our knowledge, this variant has not been reported in individuals with Fancon i anemia. In summary, the evidence currently available is insufficient to determine the clinical significance of this variant. It has therefore been classified as of uncertain significance.

NM_000135.4(FANCA):c.940G>C (p.Asp314His)

Gene: FANCA (FA complementation group A; minus strand). Cytogenetic location: 16q24.3.
Variant type: single nucleotide variant.
Coding change: c.940G>C on transcript NM_000135.4 (MANE Select); coding-DNA position 940, G replaced by C.
Protein change: p.Asp314His; replaces aspartic acid 314 with histidine.
Molecular consequence: missense variant.
Genome position (GRCh38, 1-based): chr16:89,795,972, C>G on the plus strand (G>C on the coding strand, the complement: FANCA is on the minus strand). VCF-style: chr16-89795972-C-G. GRCh37 (hg19) VCF-style: chr16-89862380-C-G.
Other names: c.940G>C, p.Asp314His (NM_001286167.3); short protein forms D314H.
Identifiers: ClinVar variation 5038410 (VCV005038410.1).